The following is an entry in ClinVar:

NC_000002.12:g.(?_165941007)_(166073641_?)del

Genes: SCN1A (sodium voltage-gated channel alpha subunit 1; minus strand), TTC21B (tetratricopeptide repeat domain 21B; minus strand). Cytogenetic location: 2q24.3.
Variant type: Deletion.
Identifiers: ClinVar variation 832943 (VCV000832943.2).

ClinVar aggregate classification (germline): Pathogenic (1 of 4 stars; one submission).

Conditions:
Developmental and epileptic encephalopathy. Identifiers: MedGen C5779964, MONDO:0100620.

Submission:

Labcorp Genetics (formerly Invitae), Labcorp
Classification: Pathogenic for Early infantile epileptic encephalopathy with suppression bursts. Last evaluated: 2019-09-03. Review status: criteria provided, single submitter. Criteria: Invitae Variant Classification Sherloc (09022015). Collection method: clinical testing. Allele origin: germline.
Comment: A gross deletion of the genomic region encompassing the full coding sequence of the SCN1A gene has been identified. The boundaries of this event are unknown as the deletion extends beyond the assayed region for this gene and therefore may encompass additional genes. Whole-gene deletions of SCN1A have been reported in individuals affected with Dravet syndrome (PMID: 17561957, 21719429). Loss-of-function variants in SCN1A are known to be pathogenic (PMID: 17347258, 18930999). For these reasons, this variant has been classified as Pathogenic.

Literature cited by the submitters: PubMed 17561957; PubMed 21719429.